The following is an entry in ClinVar:

ClinVar aggregate classification (germline): Uncertain significance (1 of 4 stars; one submission).

Submission:

GeneDx
Classification: Uncertain significance. Last evaluated: 2022-04-04. Review status: criteria provided, single submitter. Criteria: GeneDx Variant Classification Process June 2021. Collection method: clinical testing. Allele origin: germline. Affected: yes.
Comment: Not observed at significant frequency in large population cohorts (gnomAD); In silico analysis supports that this missense variant does not alter protein structure/function; Has not been previously published as pathogenic or benign to our knowledge

NM_005751.5(AKAP9):c.9991G>A (p.Gly3331Ser)

Gene: AKAP9 (A-kinase anchoring protein 9; plus strand). Cytogenetic location: 7q21.2.
Variant type: single nucleotide variant.
Coding change: c.9991G>A on transcript NM_005751.5 (MANE Select); coding-DNA position 9991, G replaced by A.
Protein change: p.Gly3331Ser; replaces glycine 3331 with serine.
Molecular consequence: missense variant.
Genome position (GRCh38, 1-based): chr7:92,096,950, G>A. VCF-style: chr7-92096950-G-A. GRCh37 (hg19) VCF-style: chr7-91726264-G-A.
Other names: c.4636G>A, p.Gly1546Ser (NM_001379277.1); c.9967G>A, p.Gly3323Ser (NM_147185.3); short protein forms G1546S, G3323S, G3331S.
Identifiers: ClinVar variation 1708693 (VCV001708693.2), dbSNP rs2130901195, ClinGen allele CA368152571.